The following is an entry in ClinVar:

NC_000016.9:g.(?_162601)_(162794_?)del

Gene: NPRL3 (NPR3 like, GATOR1 complex subunit; minus strand). Cytogenetic location: 16p13.3.
Variant type: Deletion.
Identifiers: ClinVar variation 1452724 (VCV001452724.6).

ClinVar aggregate classification (germline): Pathogenic (1 of 4 stars; one submission).

Conditions:
Epilepsy, familial focal, with variable foci 3 (FFEVF3). Identifiers: MedGen C4310708, MONDO:0014925, OMIM 617118.

Submission:

Labcorp Genetics (formerly Invitae), Labcorp
Classification: Pathogenic for Epilepsy, familial focal, with variable foci 3. Last evaluated: 2021-05-06. Review status: criteria provided, single submitter. Criteria: Invitae Variant Classification Sherloc (09022015). Collection method: clinical testing. Allele origin: germline.
Comment: This variant is a gross deletion of the genomic region encompassing exon(s) 6 of the NPRL3 gene. This deletion is out-of-frame, and is expected to create a premature translational stop signal and result in an absent or disrupted protein product. Loss-of-function variants in NPRL3 are known to be pathogenic (PMID: 26285051, 26505888). For these reasons, this variant has been classified as Pathogenic. This variant has not been reported in the literature in individuals with NPRL3-related conditions.

Literature cited by the submitters: PubMed 26285051; PubMed 26505888.